The following is an entry in ClinVar:

NM_000531.6(OTC):c.275G>C (p.Arg92Pro)

Gene: OTC (ornithine transcarbamylase; plus strand). Cytogenetic location: Xp11.4.
Variant type: single nucleotide variant.
Coding change: c.275G>C on transcript NM_000531.6 (MANE Select); coding-DNA position 275, G replaced by C.
Protein change: p.Arg92Pro; replaces arginine 92 with proline.
Molecular consequence: missense variant.
Genome position (GRCh38, 1-based): chrX:38,369,854, G>C. VCF-style: chrX-38369854-G-C. GRCh37 (hg19) VCF-style: chrX-38229107-G-C.
Other names: short protein forms R92P.
Identifiers: ClinVar variation 97153 (VCV000097153.2), dbSNP rs66550389, ClinGen allele CA224532.

ClinVar aggregate classification (germline): Pathogenic (0 of 4 stars; one submission).

Submission:

GenMed Metabolism Lab
Classification: Pathogenic. Review status: no assertion criteria provided. Collection method: not provided. Allele origin: unknown.
Comment: p.Arg92Pro, Neonatal, CpG dinucleotide
ClinVar note: Converted during submission from pathogenic to Pathogenic.